The following is an entry in ClinVar:

NM_002661.5(PLCG2):c.1096G>A (p.Gly366Arg)

Gene: PLCG2 (phospholipase C gamma 2; plus strand). Cytogenetic location: 16q23.3.
Variant type: single nucleotide variant.
Coding change: c.1096G>A on transcript NM_002661.5 (MANE Select); coding-DNA position 1096, G replaced by A.
Protein change: p.Gly366Arg; replaces glycine 366 with arginine.
Molecular consequence: missense variant.
Genome position (GRCh38, 1-based): chr16:81,895,830, G>A. VCF-style: chr16-81895830-G-A. GRCh37 (hg19) VCF-style: chr16-81929435-G-A.
Other names: c.1096G>A, p.Gly366Arg (NM_001425749.1, NM_001425750.1, NM_001425751.1); short protein forms G366R.
Identifiers: ClinVar variation 3933774 (VCV003933774.2).
Genomic context (GRCh38, chr16:81,895,830, plus strand): 5'-ACACGTGGTATTGAGGCTGCCGCGTTTCTCCCTGTAGTGGACTGCTGGGACGGGCCCGAT[G>A]GGAAGCCGGTCATCTACCATGGCTGGACGCGGACTACCAAGATCAAGTTTGACGACGTCG-3'
Protein context (NP_002652.2, residues 356-376): IELDCWDGPD[Gly366Arg]KPVIYHGWTR

ClinVar aggregate classification (germline): Uncertain significance. Review status: criteria provided, multiple submitters, no conflicts (2 of 4 stars). 2 submissions from 2 submitters: Uncertain significance (2). Last evaluated 2025-06-13.

Conditions:
Inborn genetic diseases. Identifiers: MedGen C0950123, MeSH D030342.
Familial cold autoinflammatory syndrome 3 (FCAS3). Also called: FAMILIAL ATYPICAL COLD URTICARIA; ANTIBODY DEFICIENCY AND IMMUNE DYSREGULATION, PLCG2-ASSOCIATED. Identifiers: Orphanet 300359, MedGen C3280914, MONDO:0013766, OMIM 614468.

gnomAD v4.1: 2 of 1,614,116 alleles (0.00012%); highest among the groups gnomAD compares: South Asian, 0.0022%; no homozygotes.

Submissions (2):

Labcorp Genetics (formerly Invitae), Labcorp
Classification: Uncertain significance for Familial cold autoinflammatory syndrome 3. Last evaluated: 2025-06-13. Review status: criteria provided, single submitter. Criteria: Invitae Variant Classification Sherloc (09022015). Collection method: clinical testing. Allele origin: germline.
Comment: This sequence change replaces glycine, which is neutral and non-polar, with arginine, which is basic and polar, at codon 366 of the PLCG2 protein (p.Gly366Arg). This variant is not present in population databases (gnomAD no frequency). This variant has not been reported in the literature in individuals affected with PLCG2-related conditions. An algorithm developed to predict the effect of missense changes on protein structure and function (PolyPhen-2) suggests that this variant is likely to be disruptive. In summary, the available evidence is currently insufficient to determine the role of this variant in disease. Therefore, it has been classified as a Variant of Uncertain Significance.

Ambry Genetics
Classification: Uncertain significance for Inborn genetic diseases. Last evaluated: 2025-04-25. Review status: criteria provided, single submitter. Criteria: Ambry Variant Classification Scheme 2023. Collection method: clinical testing. Allele origin: germline.